The following is an entry in ClinVar:

ClinVar aggregate classification (germline): Benign/Likely benign. Review status: criteria provided, multiple submitters, no conflicts (2 of 4 stars). 17 submissions from 17 submitters: Benign (11); Likely benign (2). 4 of the submissions do not count toward it. Last evaluated 2026-02-03.

Conditions:
Ovarian cancer. Also called: OVARIAN CANCER, SOMATIC. Identifiers: Orphanet 213500, MedGen C1140680, MONDO:0008170, OMIM 167000.
Fanconi anemia (FA). Also called: Fanconi's anemia. Identifiers: Orphanet 84, MedGen C0015625, MeSH D005199, MONDO:0019391.
Fanconi anemia complementation group A (FANCA). Also called: Fanconi anemia, group A; FANCA-Related Fanconi Anemia. Identifiers: Orphanet 84, MedGen C3469521, MONDO:0009215, OMIM 227650.

Allele frequency attached by ClinVar (database versions not stated): ESP Exome Variant Server 0.02816; 1000 Genomes Project 30x 0.02842; gnomAD 0.02526; TOPMed 0.02630; 1000 Genomes Project 0.02656.
gnomAD v4.1: 9,746 of 1,614,142 alleles (0.6%); highest among the groups gnomAD compares: African/African-American, 8.5%; 290 homozygotes.

Submissions (17):

Labcorp Genetics (formerly Invitae), Labcorp
Classification: Benign for Fanconi anemia. Last evaluated: 2026-02-03. Review status: criteria provided, single submitter. Criteria: Invitae Variant Classification Sherloc (09022015). Collection method: clinical testing. Allele origin: germline.

Dasa
Classification: Benign. Last evaluated: 2025-12-05. Review status: criteria provided, single submitter. Criteria: DASA Assertion Criteria. Collection method: clinical testing. Allele origin: germline.
Comment: NM_000135.4(FANCA):c.3859G>A (p.Val1287Ile) is a missense variant that results in the substitution of valine with isoleucine. Population frequency is inconsistent with a disease-causing role for this variant, and observations in unaffected individuals support a benign interpretation. Therefore, based on the currently available evidence, this variant is classified as benign.

CeGaT Center for Human Genetics Tuebingen
Classification: Benign. Last evaluated: 2025-06-01. Review status: criteria provided, single submitter. Criteria: CeGaT Center For Human Genetics Tuebingen Variant Classification Criteria Version 2. Collection method: clinical testing. Allele origin: germline. Affected: yes. Observed: 1 variant allele.
Comment: FANCA: BP4, BS1, BS2

Quest Diagnostics Nichols Institute San Juan Capistrano
Classification: Benign. Last evaluated: 2025-04-08. Review status: criteria provided, single submitter. Criteria: Quest Diagnostics criteria. Collection method: clinical testing. Allele origin: unknown.

Blueprint Genetics
Classification: Benign. Last evaluated: 2024-11-25. Review status: criteria provided, single submitter. Criteria: ACMG Guidelines, 2015. Collection method: clinical testing. Allele origin: germline.

ARUP Laboratories, Molecular Genetics and Genomics, ARUP Laboratories
Classification: Benign for Fanconi anemia complementation group A. Last evaluated: 2024-10-17. Review status: criteria provided, single submitter. Criteria: ARUP Molecular Germline Variant Investigation Process 2024. Collection method: clinical testing. Allele origin: germline.

Laboratory of Molecular Epidemiology of Birth Defects, West China Second University Hospital, Sichuan University
Classification: Benign for Ovarian cancer. Last evaluated: 2022-01-01. Review status: criteria provided, single submitter. Criteria: ACMG Guidelines, 2015. Collection method: clinical testing. Allele origin: germline. Affected: yes.

Mayo Clinic Laboratories, Mayo Clinic
Classification: Benign. Last evaluated: 2021-04-26. Review status: criteria provided, single submitter. Criteria: ACMG Guidelines, 2015. Collection method: clinical testing. Allele origin: germline. Observed: 47 variant alleles.

GeneDx
Classification: Benign. Last evaluated: 2019-04-24. Review status: criteria provided, single submitter. Criteria: GeneDx Variant Classification Process June 2021. Collection method: clinical testing. Allele origin: germline. Affected: yes.

Illumina Laboratory Services, Illumina
Classification: Likely benign for Fanconi anemia complementation group A. Last evaluated: 2017-04-27. Review status: criteria provided, single submitter. Criteria: ICSL Variant Classification Criteria 13 December 2019. Collection method: clinical testing. Allele origin: germline.
Comment: This variant was observed as part of a predisposition screen in an ostensibly healthy population. A literature search was performed for the gene, cDNA change, and amino acid change (where applicable). Publications were found based on this search. The evidence from the literature, in combination with allele frequency data from public databases where available, was sufficient to determine this variant is unlikely to cause disease. Therefore, this variant is classified as likely benign.

Clinical Genetics DNA and cytogenetics Diagnostics Lab, Erasmus MC, Erasmus Medical Center
Classification: Benign for Fanconi anemia complementation group A. Last evaluated: 2014-10-20. Review status: criteria provided, single submitter. Criteria: ACGS Guidelines, 2013. Collection method: clinical testing. Allele origin: germline. Affected: yes. Study: VKGL Data-share Consensus.

Breakthrough Genomics
Classification: Likely benign. Review status: criteria provided, single submitter. Criteria: ACMG Guidelines, 2015. Collection method: not provided. Allele origin: germline. Inheritance: Autosomal recessive inheritance. Affected: yes.

PreventionGenetics, part of Exact Sciences
Classification: Benign. Review status: criteria provided, single submitter. Criteria: ACMG Guidelines, 2015. Collection method: clinical testing. Allele origin: germline.

Natera, Inc.
Classification: Benign for Fanconi anemia, group A. Last evaluated: 2020-09-16. Review status: no assertion criteria provided. Collection method: clinical testing. Allele origin: germline. Not counted in ClinVar's aggregate classification.

Genome Diagnostics Laboratory, Amsterdam University Medical Center
Classification: Benign for Fanconi anemia complementation group A. Last evaluated: 2016-04-06. Review status: no assertion criteria provided. Criteria: ACGS Guidelines, 2013. Collection method: clinical testing. Allele origin: germline. Affected: yes. Study: VKGL Data-share Consensus. Not counted in ClinVar's aggregate classification.

ITMI
No classification provided. Condition: AllHighlyPenetrant. Last evaluated: 2013-09-19. Review status: no classification provided. Collection method: reference population. Allele origin: germline. Not counted in ClinVar's aggregate classification.
Comment: Please see associated publication for description of ethnicities

Laboratory of Diagnostic Genome Analysis, Leiden University Medical Center (LUMC)
Classification: Benign. Review status: no assertion criteria provided. Collection method: clinical testing. Allele origin: germline. Affected: yes. Study: VKGL Data-share Consensus. Not counted in ClinVar's aggregate classification.

Literature cited by the submitters: PubMed 9371798 (cited by Illumina Laboratory Services, Illumina); PubMed 24728327 (cited by ITMI).

NM_000135.4(FANCA):c.3859G>A (p.Val1287Ile)

Genes: ZNF276 (zinc finger protein 276; plus strand), FANCA (FA complementation group A; minus strand). Cytogenetic location: 16q24.3.
Variant type: single nucleotide variant.
Coding change: c.3859G>A on transcript NM_000135.4 (MANE Select); coding-DNA position 3859, G replaced by A.
Protein change: p.Val1287Ile; replaces valine 1287 with isoleucine.
Molecular consequence: missense variant. On other transcripts: 3 prime UTR variant (2), non-coding transcript variant (4).
Genome position (GRCh38, 1-based): chr16:89,740,069, C>T on the plus strand (G>A on the coding strand, the complement: FANCA is on the minus strand). VCF-style: chr16-89740069-C-T. GRCh37 (hg19) VCF-style: chr16-89806477-C-T.
Other names: c.3859G>A, p.Val1287Ile (NM_001286167.3); c.*1823C>T (NM_001113525.2, NM_152287.4); c.3859G>A (NM_000135.3); short protein forms V1287I.
Identifiers: ClinVar variation 134275 (VCV000134275.40), dbSNP rs17227354, ClinGen allele CA159328.